The following is an entry in ClinVar:

NM_014625.4(NPHS2):c.62_63insG (p.His21fs)

Gene: NPHS2 (NPHS2 stomatin family member, podocin; minus strand). Cytogenetic location: 1q25.2.
Variant type: Insertion.
Coding change: c.62_63insG on transcript NM_014625.4 (MANE Select); coding-DNA positions 62 to 63, G inserted.
Protein change: p.His21fs; shifts the reading frame from histidine 21.
Molecular consequence: frameshift variant.
Genome position: GRCh38 VCF-style: chr1-179575802-G-GC. GRCh37 (hg19) VCF-style: chr1-179544937-G-GC.
Other names: c.62_63insG, p.His21fs (NM_001297575.2); short protein forms H21fs.
Identifiers: ClinVar variation 2019724 (VCV002019724.5), dbSNP rs2526380104, ClinGen allele CA2580061522.

ClinVar aggregate classification (germline): Pathogenic/Likely pathogenic. Review status: criteria provided, multiple submitters, no conflicts (2 of 4 stars). 2 submissions from 2 submitters: Pathogenic (1); Likely pathogenic (1). Last evaluated 2022-12-31.

Conditions:
Nephrotic syndrome, type 2 (NPHS2). Also called: NEPHROTIC SYNDROME, STEROID-RESISTANT, AUTOSOMAL RECESSIVE. Identifiers: Orphanet 656, MedGen C1868672, MONDO:0010974, OMIM 600995.

Submissions (2):

Baylor Genetics
Classification: Likely pathogenic for Nephrotic syndrome, type 2. Last evaluated: 2022-12-31. Review status: criteria provided, single submitter. Criteria: ACMG Guidelines, 2015. Collection method: clinical testing. Allele origin: unknown.

Labcorp Genetics (formerly Invitae), Labcorp
Classification: Pathogenic. Last evaluated: 2022-07-26. Review status: criteria provided, single submitter. Criteria: Invitae Variant Classification Sherloc (09022015). Collection method: clinical testing. Allele origin: germline.
Comment: This sequence change creates a premature translational stop signal (p.His21Glnfs*49) in the NPHS2 gene. It is expected to result in an absent or disrupted protein product. Loss-of-function variants in NPHS2 are known to be pathogenic (PMID: 10742096, 14701729, 15253708, 23595123). This variant is not present in population databases (gnomAD no frequency). This variant has not been reported in the literature in individuals affected with NPHS2-related conditions. For these reasons, this variant has been classified as Pathogenic.

Literature cited by the submitters: PubMed 10742096 (cited by Labcorp Genetics (formerly Invitae), Labcorp); PubMed 14701729 (cited by Labcorp Genetics (formerly Invitae), Labcorp); PubMed 15253708 (cited by Labcorp Genetics (formerly Invitae), Labcorp); PubMed 23595123 (cited by Labcorp Genetics (formerly Invitae), Labcorp).